The following is an entry in ClinVar:

ClinVar aggregate classification (germline): Pathogenic (1 of 4 stars; one submission).

gnomAD v4.1: 1 of 1,613,850 alleles (0.000062%); highest among the groups gnomAD compares: Non-Finnish European, 0.000085%; no homozygotes.

Submission:

Labcorp Genetics (formerly Invitae), Labcorp
Classification: Pathogenic. Last evaluated: 2025-11-16. Review status: criteria provided, single submitter. Criteria: Invitae Variant Classification Sherloc (09022015). Collection method: clinical testing. Allele origin: germline.
Comment: This sequence change creates a premature translational stop signal (p.Trp1935*) in the SPTA1 gene. It is expected to result in an absent or disrupted protein product. Loss-of-function variants in SPTA1 are known to be pathogenic (PMID: 9192783, 18815189, 31333484, 31723846, 32266426). This variant is not present in population databases (gnomAD no frequency). This premature translational stop signal has been observed in individual(s) with pyropoikilocytosis (PMID: 31038472). For these reasons, this variant has been classified as Pathogenic.

Literature cited by the submitters: PubMed 9192783; PubMed 18815189; PubMed 31333484; PubMed 31723846; PubMed 32266426; PubMed 31038472.

NM_003126.4(SPTA1):c.5805G>A (p.Trp1935Ter)

Gene: SPTA1 (spectrin alpha, erythrocytic 1; minus strand). Cytogenetic location: 1q23.1.
Variant type: single nucleotide variant.
Coding change: c.5805G>A on transcript NM_003126.4 (MANE Select); coding-DNA position 5805, G replaced by A.
Protein change: p.Trp1935Ter; replaces tryptophan 1935 with a stop codon.
Molecular consequence: nonsense.
Genome position (GRCh38, 1-based): chr1:158,626,867, C>T on the plus strand (G>A on the coding strand, the complement: SPTA1 is on the minus strand). VCF-style: chr1-158626867-C-T. GRCh37 (hg19) VCF-style: chr1-158596657-C-T.
Other names: short protein forms W1935*.
Identifiers: ClinVar variation 4804029 (VCV004804029.1).
Genomic context (GRCh38, chr1:158,626,867, plus strand): 5'-ACCCAAGGGACCCTGAACCTGACACATCATACCTATCCAAGCCTCTACCACATCAGCCTT[C>T]CAGTTGAATTCCTGAAAGGCATAATCGTCTTCCAATTGCAACTTCCAAGCAGCTATTGCC-3'